The following is an entry in ClinVar:

NM_014365.3(HSPB8):c.143G>A (p.Trp48Ter)

Gene: HSPB8 (heat shock protein family B (small) member 8; plus strand). Cytogenetic location: 12q24.23.
Variant type: single nucleotide variant.
Coding change: c.143G>A on transcript NM_014365.3 (MANE Select); coding-DNA position 143, G replaced by A.
Protein change: p.Trp48Ter; replaces tryptophan 48 with a stop codon.
Molecular consequence: nonsense.
Genome position (GRCh38, 1-based): chr12:119,179,455, G>A. VCF-style: chr12-119179455-G-A. GRCh37 (hg19) VCF-style: chr12-119617260-G-A.
Other names: short protein forms W48*.
Identifiers: ClinVar variation 1803504 (VCV001803504.6), dbSNP rs2500034568, ClinGen allele CA386524507.

ClinVar aggregate classification (germline): Uncertain significance. Review status: criteria provided, multiple submitters, no conflicts (2 of 4 stars). 2 submissions from 2 submitters: Uncertain significance (2). Last evaluated 2022-12-06.

Conditions:
Charcot-Marie-Tooth disease axonal type 2L. Also called: CHARCOT-MARIE-TOOTH DISEASE, AXONAL, AUTOSOMAL DOMINANT, TYPE 2L; CHARCOT-MARIE-TOOTH NEUROPATHY, AXONAL, TYPE 2L; Charcot-Marie-Tooth Neuropathy Type 2L. Identifiers: Orphanet 99945, MedGen C1837552, MONDO:0012096, OMIM 608673.

Allele frequency attached by ClinVar (database versions not stated): gnomAD exomes below 0.00001.
gnomAD v4.1: 2 of 1,614,084 alleles (0.00012%); highest among the groups gnomAD compares: Non-Finnish European, 0.00017%; no homozygotes.

Submissions (2):

GeneDx
Classification: Uncertain significance. Last evaluated: 2022-12-06. Review status: criteria provided, single submitter. Criteria: GeneDx Variant Classification Process June 2021. Collection method: clinical testing. Allele origin: germline. Affected: yes.
Comment: Nonsense variant predicted to result in protein truncation or nonsense mediated decay in a gene for which loss-of-function is not a known mechanism of disease; Not observed at significant frequency in large population cohorts (gnomAD); Has not been previously published as pathogenic or benign to our knowledge

Labcorp Genetics (formerly Invitae), Labcorp
Classification: Uncertain significance for Charcot-Marie-Tooth disease axonal type 2L. Last evaluated: 2022-05-05. Review status: criteria provided, single submitter. Criteria: Invitae Variant Classification Sherloc (09022015). Collection method: clinical testing. Allele origin: germline.
Comment: In summary, the available evidence is currently insufficient to determine the role of this variant in disease. Therefore, it has been classified as a Variant of Uncertain Significance. This variant has not been reported in the literature in individuals affected with HSPB8-related conditions. This variant is not present in population databases (gnomAD no frequency). This sequence change creates a premature translational stop signal (p.Trp48*) in the HSPB8 gene. It is expected to result in an absent or disrupted protein product. However, the current clinical and genetic evidence is not sufficient to establish whether loss-of-function variants in HSPB8 cause disease.